The following is an entry in ClinVar:

ClinVar aggregate classification (germline): Conflicting classifications of pathogenicity. Review status: criteria provided, conflicting classifications (1 of 4 stars). 2 submissions from 2 submitters: Pathogenic (1); Uncertain significance (1). Last evaluated 2025-07-28.

Conditions:
JAG1-related disorder. Also called: JAG1-related disorders; JAG1-related condition.
Alagille syndrome due to a JAG1 point mutation. Also called: JAG1-Related Alagille Syndrome; HEPATIC DUCTULAR HYPOPLASIA, SYNDROMATIC; Alagille Syndrome 1. Identifiers: Orphanet 261619, Orphanet 52, MedGen C1956125, MONDO:0016862, OMIM 118450.

Submissions (3):

3billion
Classification: Uncertain significance for Alagille syndrome due to a JAG1 point mutation. Last evaluated: 2025-07-28. Review status: criteria provided, single submitter. Criteria: ACMG Guidelines, 2015. Collection method: clinical testing. Allele origin: germline. Affected: yes.
Comment: The variant is not observed in the gnomAD v4.1.0 dataset. Predicted Consequence/Location: Missense variant In silico tool predictions suggest damaging effect of the variant on gene or gene product [REVEL: 0.98 (>=0.6, sensitivity 0.68 and specificity 0.92); 3Cnet: 0.93 (> 0.75, sensitivity 0.96 and precision 0.92)]. The same nucleotide change resulting in the same amino acid change has been previously reported to be associated with JAG1-related disorder (PMID: 11058898). A different missense change at the same codon (p.Cys229Gly) has been reported to be associated with JAG1-related disorder (PMID: 10220506). However the evidence of pathogenicity is insufficient at this time. Therefore, this variant is classified as VUS according to the recommendation of ACMG/AMP guideline.

PreventionGenetics, part of Exact Sciences
Classification: Pathogenic for JAG1-related condition. Last evaluated: 2025-01-08. Review status: criteria provided, single submitter. Criteria: ACMG Guidelines, 2015. Collection method: clinical testing. Allele origin: germline.
Comment: The JAG1 c.686G>A variant is predicted to result in the amino acid substitution p.Cys229Tyr. This variant has been reported in two individuals with Alagille syndrome (Heritage et al. 2000. PubMed ID: 11058898; Gilbert et al. 2019. PubMed ID: 31343788). In vitro studies suggest this variant impacts protein location and function (Gilbert et al. 2019. PubMed ID: 31343788). This variant has not been reported in a large population database (gnomAD), indicating this variant is rare. This variant is interpreted as pathogenic.

Gilbert/Spinner Lab, Children's Hospital of Philadelphia
No classification provided (evidence only). Condition: Alagille syndrome. Review status: no classification provided. Collection method: research. Allele origin: not applicable. Functional consequence: functionally_abnormal. Not counted in ClinVar's aggregate classification.
ClinVar note: "not provided" was previously submitted as the classification for the variant. However, the classification appeared to be based only on an observation of functional data so it was converted to no classification on 2025-07-30.

Literature cited by the submitters: PubMed 11058898 (cited by 3billion); PubMed 10220506 (cited by 3billion).

NM_000214.3(JAG1):c.686G>A (p.Cys229Tyr)

Gene: JAG1 (jagged canonical Notch ligand 1; minus strand). Cytogenetic location: 20p12.2.
Variant type: single nucleotide variant.
Coding change: c.686G>A on transcript NM_000214.3 (MANE Select); coding-DNA position 686, G replaced by A.
Protein change: p.Cys229Tyr; replaces cysteine 229 with tyrosine.
Molecular consequence: missense variant.
Genome position (GRCh38, 1-based): chr20:10,658,476, C>T on the plus strand (G>A on the coding strand, the complement: JAG1 is on the minus strand). VCF-style: chr20-10658476-C-T. GRCh37 (hg19) VCF-style: chr20-10639124-C-T.
Other names: c.686G>A (NM_000214.2); short protein forms C229Y.
Identifiers: ClinVar variation 3573085 (VCV003573085.4).
Genomic context (GRCh38, chr20:10,658,476, plus strand): 5'-ATGGACACTAAAAGCAACAGGCACACGTGCACATGCACACACACACACATACCTCTGTTA[C>T]ATTCGGGGCCCATCCAGCCTTCCATGCAAGTTTTGTTGCCATTCTGGTCACAGGCATAGT-3'
Protein context (NP_000205.1, residues 219-239): TCMEGWMGPE[Cys229Tyr]NRAICRQGCS